The following is an entry in ClinVar:

NM_003001.5(SDHC):c.24C>G (p.His8Gln)

Gene: SDHC (succinate dehydrogenase complex subunit C; plus strand). Cytogenetic location: 1q23.3.
Variant type: single nucleotide variant.
Coding change: c.24C>G on transcript NM_003001.5 (MANE Select); coding-DNA position 24, C replaced by G.
Protein change: p.His8Gln; replaces histidine 8 with glutamine.
Molecular consequence: missense variant. On other transcripts: 5 prime UTR variant (2), non-coding transcript variant (1), intron variant (4).
Genome position (GRCh38, 1-based): chr1:161,323,617, C>G. VCF-style: chr1-161323617-C-G. GRCh37 (hg19) VCF-style: chr1-161293407-C-G.
Other names: c.24C>G, p.His8Gln (NM_001035511.3, NM_001035512.3, NM_001278172.3 and 2 more transcripts); c.-88C>G (NM_001407119.1); c.-206C>G (NM_001407120.1); c.21-4779C>G (NM_001407116.1, NM_001407121.1, NM_001407117.1); c.20+9192C>G (NM_001035513.3); short protein forms H8Q.
Identifiers: ClinVar variation 4794148 (VCV004794148.1).

ClinVar aggregate classification (germline): Uncertain significance (1 of 4 stars; one submission).

Conditions:
Pheochromocytoma/paraganglioma syndrome 3. Also called: GLOMUS TUMORS, FAMILIAL, 3; Paragangliomas 3; SDHC-Related Hereditary Paraganglioma-Pheochromocytoma Syndrome (Paragangliomas 3); SDHC-Related Hereditary Paraganglioma-Pheochromocytoma Syndrome. Identifiers: Orphanet 29072, MedGen C1854336, MONDO:0011544, OMIM 605373.
Gastrointestinal stromal tumor. Also called: Gastrointestinal stroma tumor; Gastrointestinal stromal tumor, somatic. Identifiers: Orphanet 44890, MedGen C0238198, MeSH D046152, MONDO:0011719, OMIM 606764, HP:0100723.

Submission:

Labcorp Genetics (formerly Invitae), Labcorp
Classification: Uncertain significance for Pheochromocytoma/paraganglioma syndrome 3; Gastrointestinal stromal tumor. Last evaluated: 2025-02-10. Review status: criteria provided, single submitter. Criteria: Invitae Variant Classification Sherloc (09022015). Collection method: clinical testing. Allele origin: germline.
Comment: This sequence change replaces histidine, which is basic and polar, with glutamine, which is neutral and polar, at codon 8 of the SDHC protein (p.His8Gln). This variant is not present in population databases (gnomAD no frequency). This variant has not been reported in the literature in individuals affected with SDHC-related conditions. An algorithm developed to predict the effect of missense changes on protein structure and function (PolyPhen-2) suggests that this variant is likely to be tolerated. In summary, the available evidence is currently insufficient to determine the role of this variant in disease. Therefore, it has been classified as a Variant of Uncertain Significance.